The following is an entry in ClinVar:

NM_006372.5(SYNCRIP):c.560C>T (p.Pro187Leu)

Gene: SYNCRIP (synaptotagmin binding cytoplasmic RNA interacting protein; minus strand). Cytogenetic location: 6q14.3.
Variant type: single nucleotide variant.
Coding change: c.560C>T on transcript NM_006372.5 (MANE Select); coding-DNA position 560, C replaced by T.
Protein change: p.Pro187Leu; replaces proline 187 with leucine.
Molecular consequence: missense variant.
Genome position (GRCh38, 1-based): chr6:85,637,073, G>A on the plus strand (C>T on the coding strand, the complement: SYNCRIP is on the minus strand). VCF-style: chr6-85637073-G-A. GRCh37 (hg19) VCF-style: chr6-86346791-G-A.
Other names: c.266C>T, p.Pro89Leu (NM_001159673.2, NM_001410938.1); c.560C>T, p.Pro187Leu (NM_001159674.2, NM_001159675.2, NM_001159676.2 and 1 more transcripts); c.104C>T, p.Pro35Leu (NM_001253771.2); short protein forms P187L, P35L, P89L.
Identifiers: ClinVar variation 2573687 (VCV002573687.1), dbSNP rs2537966183, ClinGen allele CA364905904.

ClinVar aggregate classification (germline): Uncertain significance (1 of 4 stars; one submission).

Submission:

GeneDx
Classification: Uncertain significance. Last evaluated: 2023-01-18. Review status: criteria provided, single submitter. Criteria: GeneDx Variant Classification Process June 2021. Collection method: clinical testing. Allele origin: germline. Affected: yes.
Comment: Not observed at significant frequency in large population cohorts (gnomAD); In silico analysis supports that this missense variant has a deleterious effect on protein structure/function; Has not been previously published as pathogenic or benign to our knowledge